The following is an entry in ClinVar:

ClinVar aggregate classification (germline): Likely benign. Review status: criteria provided, multiple submitters, no conflicts (2 of 4 stars). 2 submissions from 2 submitters: Likely benign (2). Last evaluated 2025-02-01.

gnomAD v4.1: 18 of 1,611,764 alleles (0.0011%); highest among the groups gnomAD compares: Admixed American, 0.0033%; no homozygotes.

Submissions (2):

CeGaT Center for Human Genetics Tuebingen
Classification: Likely benign. Last evaluated: 2025-02-01. Review status: criteria provided, single submitter. Criteria: CeGaT Center For Human Genetics Tuebingen Variant Classification Criteria Version 2. Collection method: clinical testing. Allele origin: germline. Affected: yes. Observed: 1 variant allele.
Comment: ABCA2: BP4, BP7

Blueprint Genetics
Classification: Likely benign. Last evaluated: 2024-02-29. Review status: criteria provided, single submitter. Criteria: ACMG Guidelines, 2015. Collection method: clinical testing. Allele origin: germline.

NM_001606.5(ABCA2):c.477G>A (p.Pro159=)

Gene: ABCA2 (ATP binding cassette subfamily A member 2; minus strand). Cytogenetic location: 9q34.3.
Variant type: single nucleotide variant.
Coding change: c.477G>A on transcript NM_001606.5 (MANE Select); coding-DNA position 477, G replaced by A.
Protein change: p.Pro159=; no amino-acid change (proline 159 retained).
Molecular consequence: synonymous variant.
Genome position (GRCh38, 1-based): chr9:137,022,441, C>T on the plus strand (G>A on the coding strand, the complement: ABCA2 is on the minus strand). VCF-style: chr9-137022441-C-T. GRCh37 (hg19) VCF-style: chr9-139916893-C-T.
Other names: c.474G>A, p.Pro158= (NM_001411042.1); c.567G>A, p.Pro189= (NM_212533.3).
Identifiers: ClinVar variation 3770989 (VCV003770989.14).
Genomic context (GRCh38, chr9:137,022,441, plus strand): 5'-TGCTTGGGCCGTGCTATTGGGCAGCGACAAGTTTTGCGTCAGGAAACGCCAGAGCTCCTG[C>T]GGGTTTCTGGCCACCGAGTCCAGAGAGAAGGAAGACACTGGACAGGCAGGAAGGCGAGGC-3'
Protein context (NP_001597.2, residues 149-169): SFSLDSVARN[Pro159=]QELWRFLTQN